The following is an entry in ClinVar:

NM_000255.4(MMUT):c.2053_2055dup (p.Leu685_Ile686insLeu)

Gene: MMUT (methylmalonyl-CoA mutase; minus strand). Cytogenetic location: 6p12.3.
Variant type: Duplication.
Coding change: c.2053_2055dup on transcript NM_000255.4 (MANE Select); coding-DNA positions 2053 to 2055, 3 bases duplicated (CTC; older notation c.2053_2055dupCTC).
Protein change: p.Leu685_Ile686insLeu.
Molecular consequence: inframe insertion.
Genome position (GRCh38, 1-based): chr6:49,435,525-49,435,527, GAG duplicated on the plus strand (CTC on the coding strand, the reverse complement: MMUT is on the minus strand). VCF-style (leftmost placement, unchanged base first): chr6-49435524-T-TGAG. GRCh37 (hg19) VCF-style: chr6-49403237-T-TGAG.
Other names: c.2053_2055dupCTC (NM_000255.4).
Identifiers: ClinVar variation 3336160 (VCV003336160.1).

ClinVar aggregate classification (germline): Pathogenic (1 of 4 stars; one submission).

Conditions:
Methylmalonic acidemia (MMA). Also called: Isolated Methylmalonic Acidemia. Identifiers: MedGen C0268583, MeSH C537358, MONDO:0002012, HP:0002912.

Submission:

Women's Health and Genetics/Laboratory Corporation of America, LabCorp
Classification: Pathogenic for Methylmalonic acidemia. Last evaluated: 2024-05-29. Review status: criteria provided, single submitter. Criteria: LabCorp Variant Classification Summary - May 2015. Collection method: clinical testing. Allele origin: germline.
Comment: Variant summary: MUT c.2053_2055dupCTC (p.Leu685dup; also described as c.2055_2056insCTC, c2128insCTC, p.685insL, and 684insL in the literature) results in an in-frame duplication that is predicted to duplicate one amino acid into the encoded protein. The variant allele was found at a frequency of 4e-06 in 251358 control chromosomes (gnomAD). c.2053_2055dupCTC has been reported in the literature in multiple individuals affected with methylmalonic acidemia (example: Yilmaz_2021, Vernon_2014, Harrington_2016, Forny_2016). These data indicate that the variant is very likely to be associated with disease. Methylmalonyl-CoA mutase activity assayed from patient fibroblasts who had the variant and another null variant show significantly reduced activity (Forny_2016). The following publications have been ascertained in the context of this evaluation (PMID: 33453710, 24961826, 26790480, 9554742, 27167370). No submitters have cited clinical-significance assessments for this variant to ClinVar. Based on the evidence outlined above, the variant was classified as pathogenic.

Literature cited by the submitters: PubMed 26790480; PubMed 27167370; PubMed 9554742; PubMed 24961826; PubMed 33453710.